The following is an entry in ClinVar:

NM_000376.3(VDR):c.901A>G (p.Thr301Ala)

Gene: VDR (vitamin D receptor; minus strand). Cytogenetic location: 12q13.11.
Variant type: single nucleotide variant.
Coding change: c.901A>G on transcript NM_000376.3 (MANE Select); coding-DNA position 901, A replaced by G.
Protein change: p.Thr301Ala; replaces threonine 301 with alanine.
Molecular consequence: missense variant.
Genome position (GRCh38, 1-based): chr12:47,846,663, T>C on the plus strand (A>G on the coding strand, the complement: VDR is on the minus strand). VCF-style: chr12-47846663-T-C. GRCh37 (hg19) VCF-style: chr12-48240446-T-C.
Other names: c.901A>G, p.Thr301Ala (NM_001017535.2, NM_001364085.2, NM_001374661.1 and 1 more transcripts); c.1051A>G, p.Thr351Ala (NM_001017536.2); short protein forms T351A, T301A.
Identifiers: ClinVar variation 2129305 (VCV002129305.4), dbSNP rs2539969106, ClinGen allele CA384516099.
Genomic context (GRCh38, chr12:47,846,663, plus strand): 5'-AGCCAGAATCTGGGAGCTGAAAAAGACTCCCCAGGAGGTGGAGTCTAGGCATACCTTTGG[T>C]CACGTCACTGACGCGGTACTTGTAGTCTTGGTTGCCACAGGTCCAGGACATGTCGTCCAT-3'
Protein context (NP_000367.1, residues 291-311): QDYKYRVSDV[Thr301Ala]KAGHSLELIE

ClinVar aggregate classification (germline): Uncertain significance (1 of 4 stars; one submission).

gnomAD v4.1: 1 of 1,613,624 alleles (0.000062%); no homozygotes.

Submission:

Labcorp Genetics (formerly Invitae), Labcorp
Classification: Uncertain significance. Last evaluated: 2022-10-15. Review status: criteria provided, single submitter. Criteria: Invitae Variant Classification Sherloc (09022015). Collection method: clinical testing. Allele origin: germline.
Comment: In summary, the available evidence is currently insufficient to determine the role of this variant in disease. Therefore, it has been classified as a Variant of Uncertain Significance. Advanced modeling of protein sequence and biophysical properties (such as structural, functional, and spatial information, amino acid conservation, physicochemical variation, residue mobility, and thermodynamic stability) performed at Invitae indicates that this missense variant is not expected to disrupt VDR protein function. This variant has not been reported in the literature in individuals affected with VDR-related conditions. This variant is not present in population databases (gnomAD no frequency). This sequence change replaces threonine, which is neutral and polar, with alanine, which is neutral and non-polar, at codon 301 of the VDR protein (p.Thr301Ala).